The following is an entry in ClinVar:

ClinVar aggregate classification (germline): Benign (1 of 4 stars; one submission).

Allele frequency attached by ClinVar (database versions not stated): gnomAD exomes 0.26152; ExAC 0.28559; 1000 Genomes Project 0.35084; gnomAD 0.35133; ESP Exome Variant Server 0.35999; 1000 Genomes Project 30x 0.36321; TOPMed 0.36327.
gnomAD v4.1: 435,538 of 1,611,030 alleles (27%); highest among the groups gnomAD compares: African/African-American, 61%; 64,931 homozygotes.

Submission:

Unidad de Genómica Garrahan, Hospital de Pediatría Garrahan
Classification: Benign. Last evaluated: 2024-01-24. Review status: criteria provided, single submitter. Criteria: ACMG Guidelines, 2015. Collection method: clinical testing. Allele origin: germline. Affected: no. Observed: 52 variant alleles.
Comment: This variant is classified as Benign based on local population frequency. This variant was detected in 55% of patients studied by a panel of primary immunodeficiencies. Number of patients: 52. Only high quality variants are reported.

NM_005488.3(TOM1):c.1287T>G (p.Gly429=)

Gene: TOM1 (target of myb1 membrane trafficking protein; plus strand). Cytogenetic location: 22q12.3.
Variant type: single nucleotide variant.
Coding change: c.1287T>G on transcript NM_005488.3 (MANE Select); coding-DNA position 1287, T replaced by G.
Protein change: p.Gly429=; no amino-acid change (glycine 429 retained).
Molecular consequence: synonymous variant. On other transcripts: non-coding transcript variant (3).
Genome position (GRCh38, 1-based): chr22:35,346,932, T>G. VCF-style: chr22-35346932-T-G. GRCh37 (hg19) VCF-style: chr22-35742925-T-G.
Other names: c.1188T>G, p.Gly396= (NM_001135729.2); c.1152T>G, p.Gly384= (NM_001135730.2); c.1287T>G, p.Gly429= (NM_001135732.2).
Identifiers: ClinVar variation 2688095 (VCV002688095.2), dbSNP rs743810, ClinGen allele CA10204505.